The following is an entry in ClinVar:

ClinVar aggregate classification (germline): Uncertain significance (1 of 4 stars; one submission).

Submission:

CeGaT Center for Human Genetics Tuebingen
Classification: Uncertain significance. Last evaluated: 2022-12-01. Review status: criteria provided, single submitter. Criteria: CeGaT Center For Human Genetics Tuebingen Variant Classification Criteria Version 2. Collection method: clinical testing. Allele origin: germline. Affected: yes. Observed: 1 variant allele.
Comment: TRIO: PM2, BP4

NM_007118.4(TRIO):c.8680G>A (p.Ala2894Thr)

Gene: TRIO (trio Rho guanine nucleotide exchange factor; plus strand). Cytogenetic location: 5p15.2.
Variant type: single nucleotide variant.
Coding change: c.8680G>A on transcript NM_007118.4 (MANE Select); coding-DNA position 8680, G replaced by A.
Protein change: p.Ala2894Thr; replaces alanine 2894 with threonine.
Molecular consequence: missense variant. On other transcripts: non-coding transcript variant (1).
Genome position (GRCh38, 1-based): chr5:14,507,189, G>A. VCF-style: chr5-14507189-G-A. GRCh37 (hg19) VCF-style: chr5-14507298-G-A.
Other names: short protein forms A2894T.
Identifiers: ClinVar variation 2655360 (VCV002655360.24), dbSNP rs2477725806, ClinGen allele CA359240475.